The following is an entry in ClinVar:

ClinVar aggregate classification (germline): Likely benign. Review status: criteria provided, multiple submitters, no conflicts (2 of 4 stars). 3 submissions from 3 submitters: Likely benign (2). 1 of the submissions does not count toward it. Last evaluated 2025-08-01.

Conditions:
Lissencephaly 9 with complex brainstem malformation. Identifiers: Orphanet 572013, MedGen C5193029, MONDO:0032677, OMIM 618325.
Inborn genetic diseases. Identifiers: MedGen C0950123, MeSH D030342.

Allele frequency attached by ClinVar (database versions not stated): gnomAD 0.00001 and 0.00003; TOPMed 0.00002; ESP Exome Variant Server 0.00008; gnomAD exomes 0.00011; ExAC 0.00012.
gnomAD v4.1: 95 of 1,613,760 alleles (0.0059%); highest among the groups gnomAD compares: South Asian, 0.055%; no homozygotes.

Submissions (3):

CeGaT Center for Human Genetics Tuebingen
Classification: Likely benign. Last evaluated: 2025-08-01. Review status: criteria provided, single submitter. Criteria: CeGaT Center For Human Genetics Tuebingen Variant Classification Criteria Version 2. Collection method: clinical testing. Allele origin: germline. Affected: yes. Observed: 1 variant allele.
Comment: MACF1: BP4

Ambry Genetics
Classification: Likely benign for Inborn genetic diseases. Last evaluated: 2025-01-17. Review status: criteria provided, single submitter. Criteria: Ambry Variant Classification Scheme 2023. Collection method: clinical testing. Allele origin: germline.

Department of Pathology and Laboratory Medicine, Sinai Health System
Classification: Likely benign for Lissencephaly 9 with complex brainstem malformation. Review status: no assertion criteria provided. Collection method: clinical testing. Allele origin: unknown. Affected: yes. Study: The Canadian Open Genetics Repository (COGR). Not counted in ClinVar's aggregate classification.
Comment: The MACF1 p.R2266Q variant was not identified in the literature nor was it identified in ClinVar. The variant was identified in dbSNP (ID: rs374060078) and in control databases in 27 of 251032 chromosomes at a frequency of 0.0001076 (Genome Aggregation Database March 6, 2019, v2.1.1). This frequency is greater than expected for the rare, autosomal dominant lissencephaly 9 with complex brainstem malformation condition associated with MACF1 variants. The p.R2266 residue is conserved in mammals and computational analyses (MUT Assesor, PolyPhen-2, SIFT, MutationTaster, Revel, FATHMM, MetaLR, DANN) provide inconsistent predictions regarding the impact to the protein; this information is not very predictive of pathogenicity. The variant occurs outside of the splicing consensus sequence and in silico or computational prediction software programs (Splice AI exome) do not predict a difference in splicing. In summary, based on the above information the clinical significance of this variant cannot be determined with certainty at this time although we would lean towards a more benign role for this variant. This variant is classified as likely benign.

NM_001394062.1(MACF1):c.12983G>A (p.Arg4328Gln)

Gene: MACF1 (microtubule actin crosslinking factor 1; plus strand). Cytogenetic location: 1p34.3.
Variant type: single nucleotide variant.
Coding change: c.12983G>A on transcript NM_001394062.1 (MANE Select); coding-DNA position 12983, G replaced by A.
Protein change: p.Arg4328Gln; replaces arginine 4328 with glutamine.
Molecular consequence: missense variant.
Genome position (GRCh38, 1-based): chr1:39,370,074, G>A. VCF-style: chr1-39370074-G-A. GRCh37 (hg19) VCF-style: chr1-39835746-G-A.
Other names: c.6797G>A, p.Arg2266Gln (NM_012090.5); c.6797G>A (NM_012090.4); short protein forms R2266Q, R4328Q.
Identifiers: ClinVar variation 1049200 (VCV001049200.10), dbSNP rs374060078, ClinGen allele CA781930.